The following is an entry in ClinVar:

NM_022489.4(INF2):c.3631C>G (p.Arg1211Gly)

Gene: INF2 (inverted formin 2; plus strand). Cytogenetic location: 14q32.33.
Variant type: single nucleotide variant.
Coding change: c.3631C>G on transcript NM_022489.4 (MANE Select); coding-DNA position 3631, C replaced by G.
Protein change: p.Arg1211Gly; replaces arginine 1211 with glycine.
Molecular consequence: missense variant. On other transcripts: non-coding transcript variant (1).
Genome position (GRCh38, 1-based): chr14:104,714,793, C>G. VCF-style: chr14-104714793-C-G. GRCh37 (hg19) VCF-style: chr14-105181130-C-G.
Other names: c.3631C>G, p.Arg1211Gly (NM_001031714.4, NM_001426862.1, NM_001426863.1 and 2 more transcripts); short protein forms R1211G.
Identifiers: ClinVar variation 3753958 (VCV003753958.2).

ClinVar aggregate classification (germline): Uncertain significance (1 of 4 stars; one submission).

Conditions:
Focal segmental glomerulosclerosis 5 (FSGS5). Identifiers: Orphanet 656, MedGen C2750475, MONDO:0013191, OMIM 613237.
Charcot-Marie-Tooth disease dominant intermediate E. Also called: CHARCOT-MARIE-TOOTH NEUROPATHY WITH FOCAL SEGMENTAL GLOMERULONEPHRITIS. Identifiers: Orphanet 93114, MedGen C4302667, MONDO:0013758, OMIM 614455.

Submission:

Labcorp Genetics (formerly Invitae), Labcorp
Classification: Uncertain significance for Charcot-Marie-Tooth disease dominant intermediate E; Focal segmental glomerulosclerosis 5. Last evaluated: 2024-07-30. Review status: criteria provided, single submitter. Criteria: Invitae Variant Classification Sherloc (09022015). Collection method: clinical testing. Allele origin: germline.
Comment: This sequence change replaces arginine, which is basic and polar, with glycine, which is neutral and non-polar, at codon 1211 of the INF2 protein (p.Arg1211Gly). This variant is not present in population databases (gnomAD no frequency). This variant has not been reported in the literature in individuals affected with INF2-related conditions. Advanced modeling of protein sequence and biophysical properties (such as structural, functional, and spatial information, amino acid conservation, physicochemical variation, residue mobility, and thermodynamic stability) performed at Invitae indicates that this missense variant is not expected to disrupt INF2 protein function with a negative predictive value of 95%. In summary, the available evidence is currently insufficient to determine the role of this variant in disease. Therefore, it has been classified as a Variant of Uncertain Significance.